The following is an entry in ClinVar:

ClinVar aggregate classification (germline): Likely benign (1 of 4 stars; one submission).

Conditions:
Congenital brain dysgenesis due to glutamine synthetase deficiency (GLND). Also called: GLUTAMINE SYNTHASE DEFICIENCY, CONGENITAL SYSTEMIC. Identifiers: Orphanet 71278, MedGen C1864910, MONDO:0012393, OMIM 610015.

Allele frequency attached by ClinVar (database versions not stated): gnomAD 0.00023 and 0.00037; TOPMed 0.00037; 1000 Genomes Project 30x 0.00203; 1000 Genomes Project 0.00220.

Submission:

Illumina Laboratory Services, Illumina
Classification: Likely benign for Congenital brain dysgenesis due to glutamine synthetase deficiency. Last evaluated: 2018-01-13. Review status: criteria provided, single submitter. Criteria: ICSL Variant Classification Criteria 13 December 2019. Collection method: clinical testing. Allele origin: germline.
Comment: This variant was observed in the ICSL laboratory as part of a predisposition screen in an ostensibly healthy population. It had not been previously curated by ICSL or reported in the Human Gene Mutation Database (HGMD: prior to June 1st, 2018), and was therefore a candidate for classification through an automated scoring system. Utilizing variant allele frequency, disease prevalence and penetrance estimates, and inheritance mode, an automated score was calculated to assess if this variant is too frequent to cause the disease. Based on the score and internal cut-off values, a variant classified as likely benign is not then subjected to further curation. The score for this variant resulted in a classification of likely benign for this disease.

NM_001033044.4(GLUL):c.*2494G>T

Gene: GLUL (glutamate-ammonia ligase; minus strand). Cytogenetic location: 1q25.3.
Variant type: single nucleotide variant.
Coding change: c.*2494G>T on transcript NM_001033044.4 (MANE Select); 2494 bases downstream of the stop codon, G replaced by T.
Molecular consequence: 3 prime UTR variant.
Genome position (GRCh38, 1-based): chr1:182,381,911, C>A on the plus strand (G>T on the coding strand, the complement: GLUL is on the minus strand). VCF-style: chr1-182381911-C-A. GRCh37 (hg19) VCF-style: chr1-182351046-C-A.
Other names: c.*2494G>T (NM_001033056.4, NM_002065.7).
Identifiers: ClinVar variation 293887 (VCV000293887.5), dbSNP rs77070600, ClinGen allele CA10608877.
Genomic context (GRCh38, chr1:182,381,911, plus strand): 5'-AACAAAATCAAGAAAATGCTAAGGATGAAACAGGGTACTCAACAATCATGCTGAAACAGG[C>A]ATAAACTAGGACCACGCCAGCAAGCTAATAGGTAGATGACTCTACTTTGAATATTAAATC-3'